The following is an entry in ClinVar:

NM_133379.5(TTN):c.11240A>G (p.Asp3747Gly)

Gene: TTN (titin; minus strand). Cytogenetic location: 2q31.2.
Variant type: single nucleotide variant.
Coding change: c.11240A>G on transcript NM_133379.5; coding-DNA position 11240, A replaced by G.
Protein change: p.Asp3747Gly; replaces aspartic acid 3747 with glycine.
Molecular consequence: missense variant. On other transcripts: intron variant (6).
Genome position (GRCh38, 1-based): chr2:178,751,160, T>C on the plus strand (A>G on the coding strand, the complement: TTN is on the minus strand). VCF-style: chr2-178751160-T-C. GRCh37 (hg19) VCF-style: chr2-179615887-T-C.
Other names: p.D3747G:GAC>GGC; c.10222+1964A>G (NM_003319.4); c.10798+1964A>G (NM_133437.4); c.11311+1964A>G (NM_001267550.2); c.11240A>G (NM_133379.4); c.10597+1964A>G (NM_133432.3); c.10360+1964A>G (NM_133378.4, NM_001256850.1); short protein forms D3747G.
Identifiers: ClinVar variation 47736 (VCV000047736.11), dbSNP rs922984, ClinGen allele CA284437.

ClinVar aggregate classification (germline): Benign. Review status: criteria provided, multiple submitters, no conflicts (2 of 4 stars). 8 submissions from 8 submitters: Benign (6). 2 of the submissions do not count toward it. Last evaluated 2026-03-27.

Allele frequency attached by ClinVar (database versions not stated): 1000 Genomes Project 30x 0.72814; 1000 Genomes Project 0.73303; TOPMed 0.77570; gnomAD 0.80205 and 0.80230; ESP Exome Variant Server 0.81806; gnomAD exomes 0.82004 and 0.89621; ExAC 0.82708.
gnomAD v4.1: 1,429,503 of 1,611,982 alleles (89%); highest among the groups gnomAD compares: Non-Finnish European, 93%; 641,992 homozygotes.

Submissions (8):

Molecular Diagnostic Laboratory for Inherited Cardiovascular Disease, Montreal Heart Institute
Classification: Benign. Last evaluated: 2026-03-27. Review status: criteria provided, single submitter. Criteria: ACMG Guidelines, 2015. Collection method: clinical testing. Allele origin: germline. Affected: no.

Blueprint Genetics
Classification: Benign. Last evaluated: 2024-11-26. Review status: criteria provided, single submitter. Criteria: ACMG Guidelines, 2015. Collection method: clinical testing. Allele origin: germline.

GeneDx
Classification: Benign. Last evaluated: 2014-01-21. Review status: criteria provided, single submitter. Criteria: GeneDx Variant Classification (06012015). Collection method: clinical testing. Allele origin: germline. Affected: yes.
Comment: This variant is considered likely benign or benign based on one or more of the following criteria: it is a conservative change, it occurs at a poorly conserved position in the protein, it is predicted to be benign by multiple in silico algorithms, and/or has population frequency not consistent with disease.

Biesecker Lab/Clinical Genomics Section, National Institutes of Health
Classification: Benign. Last evaluated: 2013-06-24. Review status: criteria provided, single submitter. Criteria: Ng et al. (Circ Cardiovasc Genet. 2013). Collection method: research. Allele origin: unknown. Observed: 847 variant alleles. Study: ClinSeq.
Comment: The study set was not selected for affection status in relation to any cancer. Pathogenicity categories were based on literature curation. See Pubmed ID:23861362 for details.

Medical sequencing

Laboratory for Molecular Medicine, Mass General Brigham Personalized Medicine
Classification: Benign. Last evaluated: 2011-09-16. Review status: criteria provided, single submitter. Criteria: LMM Criteria. Collection method: clinical testing. Allele origin: germline. Observed: 1,557 variant alleles.

Breakthrough Genomics
Classification: Benign. Review status: criteria provided, single submitter. Criteria: ACMG Guidelines, 2015. Collection method: not provided. Allele origin: germline. Inheritance: Autosomal recessive inheritance. Affected: yes.

Clinical Genetics, Academic Medical Center
Classification: Benign. Review status: no assertion criteria provided. Collection method: clinical testing. Allele origin: germline. Affected: yes. Study: VKGL Data-share Consensus. Not counted in ClinVar's aggregate classification.

Diagnostic Laboratory, Department of Genetics, University Medical Center Groningen
Classification: Benign. Review status: no assertion criteria provided. Collection method: clinical testing. Allele origin: germline. Affected: yes. Study: VKGL Data-share Consensus. Not counted in ClinVar's aggregate classification.